The following is an entry in ClinVar:

ClinVar aggregate classification (germline): Uncertain significance. Review status: criteria provided, multiple submitters, no conflicts (2 of 4 stars). 3 submissions from 3 submitters: Uncertain significance (2). 1 of the submissions does not count toward it. Last evaluated 2024-03-07.

Conditions:
Usher syndrome type 1F (USH1F). Also called: USHER SYNDROME, TYPE IF. Identifiers: Orphanet 231169, Orphanet 886, MedGen C1865885, MONDO:0011186, OMIM 602083.

gnomAD v4.1: 5 of 1,613,860 alleles (0.00031%); highest among the groups gnomAD compares: South Asian, 0.0033%; no homozygotes.

Submissions (3):

Women's Health and Genetics/Laboratory Corporation of America, LabCorp
Classification: Uncertain significance. Last evaluated: 2024-03-07. Review status: criteria provided, single submitter. Criteria: LabCorp Variant Classification Summary - May 2015. Collection method: clinical testing. Allele origin: germline.
Comment: Variant summary: PCDH15 c.1456G>A (p.Gly486Ser) results in a non-conservative amino acid change located in the Cadherin-like domain (IPR002126) of the encoded protein sequence. Three of five in-silico tools predict a damaging effect of the variant on protein function. The variant allele was found at a frequency of 8e-06 in 251298 control chromosomes. The available data on variant occurrences in the general population are insufficient to allow any conclusion about variant significance. c.1456G>A has been reported in the literature as a non-informative genotype (second allele and/or zygosity not specified) in a cohort of individuals with hearing loss (example, Chen_2016). These report(s) do not provide unequivocal conclusions about association of the variant with Usher Syndrome Type 1F. To our knowledge, no experimental evidence demonstrating an impact on protein function has been reported. The following publication have been ascertained in the context of this evaluation (PMID: 27610647). ClinVar contains an entry for this variant (Variation ID: 558525). Based on the evidence outlined above, the variant was classified as uncertain significance.

Broad Center for Mendelian Genomics, Broad Institute of MIT and Harvard
Classification: Uncertain significance for Usher syndrome type 1F. Last evaluated: 2023-01-24. Review status: criteria provided, single submitter. Criteria: ACMG Guidelines, 2015. Collection method: curation. Allele origin: germline. Inheritance: Autosomal recessive inheritance.
Comment: The p.Gly486Ser variant in PCDH15 has been reported in 1 individual with Usher syndrome type 1F (PMID: 27610647) and has been identified in 0.007% (2/30612) of South Asian chromosomes by the Genome Aggregation Database (gnomAD; dbSNP ID: rs1196401374). Although this variant has been seen in the general population in a heterozygous state, its frequency is low enough to be consistent with a recessive carrier frequency. This variant has also been reported in ClinVar (Variation ID#: 558525) and has been interpreted as a variant of uncertain significance by Counsyl. Computational prediction tools and conservation analyses do not provide strong support for or against an impact to the protein. In summary, the clinical significance of the p.Gly486Ser variant is uncertain. ACMG/AMP Criteria applied: PM2_supporting (Richards 2015).

Counsyl
Classification: Uncertain significance for Usher syndrome type 1F. Last evaluated: 2018-05-24. Review status: no assertion criteria provided. Collection method: clinical testing. Allele origin: unknown. Not counted in ClinVar's aggregate classification.

Literature cited by the submitters: PubMed 27610647 (cited by Women's Health and Genetics/Laboratory Corporation of America, LabCorp and Counsyl); PubMed 23462753 (cited by Counsyl).

NM_001384140.1(PCDH15):c.1456G>A (p.Gly486Ser)

Gene: PCDH15 (protocadherin related 15; minus strand). Cytogenetic location: 10q21.1.
Variant type: single nucleotide variant.
Coding change: c.1456G>A on transcript NM_001384140.1 (MANE Select); coding-DNA position 1456, G replaced by A.
Protein change: p.Gly486Ser; replaces glycine 486 with serine.
Molecular consequence: missense variant.
Genome position (GRCh38, 1-based): chr10:54,183,578, C>T on the plus strand (G>A on the coding strand, the complement: PCDH15 is on the minus strand). VCF-style: chr10-54183578-C-T. GRCh37 (hg19) VCF-style: chr10-55943338-C-T.
Other names: NM_001384140.1(PCDH15):c.1456G>A; p.Gly486Ser; c.1471G>A, p.Gly491Ser (NM_001142763.2, NM_001142771.2); c.1456G>A, p.Gly486Ser (NM_001142764.2, NM_001142765.2, NM_001142766.2 and 6 more transcripts); c.1345G>A, p.Gly449Ser (NM_001142767.2); c.1390G>A, p.Gly464Ser (NM_001142768.2, NM_001142773.2, NM_001354404.2); c.1492G>A, p.Gly498Ser (NM_001142769.4); c.1477G>A, p.Gly493Ser (NM_001354411.2); short protein forms G486S, G449S, G464S, G498S, G491S, G493S.
Identifiers: ClinVar variation 558525 (VCV000558525.6), dbSNP rs1196401374, ClinGen allele CA376514739.